The following continues an entry in ClinVar:

NM_000540.3(RYR1):c.1201C>T (p.Arg401Cys)

Gene: RYR1. ClinVar aggregate classification (germline): Pathogenic; drug response. Pathogenic (1).

Submissions 11 to 20 of 20:

Color Diagnostics, LLC DBA Color Health
Classification: Pathogenic for Malignant hyperthermia, susceptibility to, 1. Last evaluated: 2025-07-21. Review status: criteria provided, single submitter. Criteria: ACMG Guidelines, 2015. Collection method: clinical testing. Allele origin: germline. Not counted in ClinVar's aggregate classification.
Comment: This missense variant replaces arginine with cysteine at codon 401 of the RYR1 protein. Computational prediction suggests that this variant may have deleterious impact on protein structure and function. Functional studies have shown that this variant increases sensitivity to 4-CmC and caffeine compare to wild-type RYR1 in HEK293 cells (PMID: 23459219, 26115329, 31841587). This variant has been reported in at least 4 individuals affected with malignant hyperthermia clinical crises and in at least 4 families affected with malignant hyperthermia susceptibility (PMID: 12066726, 12066726, 12434264, 18564801, 24433488, 25735680, 30236257). It has been shown that this variant segregates with disease in two families (PMID: 12066726). This variant has been identified in 2/282746 chromosomes in the general population by the Genome Aggregation Database (gnomAD). Based on the available evidence, this variant is classified as Pathogenic.

CeGaT Center for Human Genetics Tuebingen
Classification: Pathogenic. Last evaluated: 2025-01-01. Review status: criteria provided, single submitter. Criteria: CeGaT Center For Human Genetics Tuebingen Variant Classification Criteria Version 2. Collection method: clinical testing. Allele origin: germline. Affected: yes. Observed: 2 variant alleles. Not counted in ClinVar's aggregate classification.
Comment: RYR1: PM1, PM2, PM5, PS3:Moderate, PS4:Moderate, PP1

Laboratory for Molecular Medicine, Mass General Brigham Personalized Medicine
Classification: Pathogenic for Malignant hyperthermia of anesthesia. Last evaluated: 2024-03-22. Review status: criteria provided, single submitter. Criteria: ACMG Guidelines, 2015. Collection method: clinical testing. Allele origin: germline. Inheritance: Autosomal dominant inheritance. Not counted in ClinVar's aggregate classification.
Comment: proposed classification - variant undergoing re-assessment, contact laboratory

All of Us Research Program, National Institutes of Health
Classification: Pathogenic for Malignant hyperthermia, susceptibility to, 1. Last evaluated: 2023-08-15. Review status: criteria provided, single submitter. Criteria: ACMG Guidelines, 2015. Collection method: clinical testing. Allele origin: germline. Inheritance: Autosomal dominant inheritance. Observed: 3 variant alleles, 3 heterozygotes. Not counted in ClinVar's aggregate classification.
Comment: This missense variant replaces arginine with cysteine at codon 401 of the RYR1 protein. Computational prediction suggests that this variant may have deleterious impact on protein structure and function (internally defined REVEL score threshold >= 0.7, PMID: 27666373). Functional studies have shown that this variant increases sensitivity to 4-CmC and caffeine compare to wild-type RYR1 in HEK293 cells (PMID: 23459219, 26115329, 31841587). This variant has been reported in at least 4 individuals affected with malignant hyperthermia clinical crises and in at least 4 families affected with malignant hyperthermia susceptibility (PMID: 12066726, 12066726, 12434264, 18564801, 24433488, 25735680, 30236257). It has been shown that this variant segregates with disease in two families (PMID: 12066726). This variant has been identified in 2/282746 chromosomes in the general population by the Genome Aggregation Database (gnomAD). Based on the available evidence, this variant is classified as Pathogenic.

This study involves interpretation of variants in research participants for the purpose of population health screening. Participant phenotype was not available at the time of variant classification. Additional details can be found in publication PMID: 35346344, PMCID: PMC8962531

Revvity Omics, Revvity
Classification: Pathogenic. Last evaluated: 2023-07-03. Review status: criteria provided, single submitter. Criteria: ACMG Guidelines, 2015. Collection method: clinical testing. Allele origin: germline. Not counted in ClinVar's aggregate classification.

Institute of Human Genetics, University of Leipzig Medical Center
Classification: Pathogenic for Malignant hyperthermia, susceptibility to, 1. Last evaluated: 2022-01-19. Review status: criteria provided, single submitter. Criteria: ACMG Guidelines, 2015. Collection method: clinical testing. Allele origin: unknown. Not counted in ClinVar's aggregate classification.
Comment: _x000D_ Criteria applied: PS3, PS4_MOD, PM1, PM5_STR, PM2_SUP, PP1, PP3

AiLife Diagnostics
Classification: Likely pathogenic. Last evaluated: 2021-05-26. Review status: criteria provided, single submitter. Criteria: ACMG Guidelines, 2015. Collection method: clinical testing. Allele origin: germline. Affected: yes. Observed: 1 variant allele. Not counted in ClinVar's aggregate classification.

GeneDx
Classification: Pathogenic. Last evaluated: 2020-11-10. Review status: criteria provided, single submitter. Criteria: GeneDx Variant Classification Process June 2021. Collection method: clinical testing. Allele origin: germline. Affected: yes. Not counted in ClinVar's aggregate classification.
Comment: In addition to malignant hyperthermia susceptibility, some individuals who harbored the R401C variant presented with additional neuromuscular features including muscle cramps, multicore/minicore myopathy, and elevated CK levels (Davis et al., 2002; Galli et al., 2002); Functional analysis of R401C shows that it leads to higher sensitivity to agonist compared to wildtype controls (Sato et al., 2013); Not observed at a significant frequency in large population cohorts (gnomAD); In silico analysis supports that this missense variant has a deleterious effect on protein structure/function; This variant is associated with the following publications: (PMID: 30236257, 28326467, 14999498, 32381029, 25735680, 23459219, 23919265, 29635721, 24433488, 16917943, 28818389, 12208234, 18564801, 12434264, 23553484, 12066726, 31589614)

PreventionGenetics, part of Exact Sciences
Classification: Pathogenic for RYR1-related condition. Last evaluated: 2024-08-12. Review status: no assertion criteria provided. Collection method: clinical testing. Allele origin: germline. Not counted in ClinVar's aggregate classification.
Comment: The RYR1 c.1201C>T variant is predicted to result in the amino acid substitution p.Arg401Cys. This variant has been reported to be causative for Malignant Hyperthermia (MH) in multiple families (Davis et al. 2002. PubMed ID: 12066726; Robinson et al. 2006. PubMed ID: 16917943; Gillies et al. 2015. PubMed ID: 25735680; Miller et al. 2018. PubMed ID: 30236257). Functional studies in transfected cell cultures indicate that the p.Arg401Cys variant results in Ca++ channels that are more sensitive to triggering agents than wild type channels (Sato K. et al. 2013. PubMed ID: 23459219). Several other substitutions at the same amino acid (p.Arg401Gly, p.Arg401His, p.Arg401Leu and p.Arg401Ser) have also been reported to be causative for MH. In addition, this variant has been reported to be causative for recessive myopathy (Amburgey et al. 2013. PubMed ID: 23919265). This variant is reported in 0.0050% of alleles in individuals of East Asian descent in gnomAD. In summary, we conclude that the c.1201C>T variant is pathogenic for dominant inheritance of MH susceptibility and also recessive inheritance of RYR1-related myopathy.

RYR1 database
No classification provided. Review status: no classification provided. Collection method: not provided. Allele origin: unknown. Not counted in ClinVar's aggregate classification.

Literature cited by the submitters: PubMed 12059893 (cited by ClinPGx and Labcorp Genetics (formerly Invitae), Labcorp); PubMed 16163667 (cited by ClinPGx and Ambry Genetics); PubMed 24433488 (cited by 6 submitters); PubMed 25735680 (cited by 7 submitters); PubMed 12066726 (cited by 6 submitters); PubMed 23459219 (cited by 6 submitters); PubMed 23919265 (cited by 4 submitters); PubMed 28818389 (cited by 4 submitters); PubMed 30236257 (cited by 6 submitters); PubMed 31841587 (cited by 4 submitters); PubMed 35627144 (cited by Ambry Genetics); PubMed 12434264 (cited by 3 submitters); PubMed 18564801 (cited by 3 submitters); PubMed 26115329 (cited by Color Diagnostics, LLC DBA Color Health and All of Us Research Program, National Institutes of Health); PubMed 14999498 (cited by Laboratory for Molecular Medicine, Mass General Brigham Personalized Medicine); PubMed 12208234 (cited by Laboratory for Molecular Medicine, Mass General Brigham Personalized Medicine); PubMed 21674524 (cited by Laboratory for Molecular Medicine, Mass General Brigham Personalized Medicine); PubMed 23476141 (cited by Laboratory for Molecular Medicine, Mass General Brigham Personalized Medicine); PubMed 23553484 (cited by Laboratory for Molecular Medicine, Mass General Brigham Personalized Medicine); PubMed 30499100 (cited by Laboratory for Molecular Medicine, Mass General Brigham Personalized Medicine); PubMed 16917943 (cited by Laboratory for Molecular Medicine, Mass General Brigham Personalized Medicine); PubMed 29635721 (cited by Laboratory for Molecular Medicine, Mass General Brigham Personalized Medicine and AiLife Diagnostics).